The following is an entry in ClinVar:

ClinVar aggregate classification (germline): Uncertain significance (1 of 4 stars; one submission).

Conditions:
Inborn genetic diseases. Identifiers: MedGen C0950123, MeSH D030342.

Submission:

Ambry Genetics
Classification: Uncertain significance for Inborn genetic diseases. Last evaluated: 2026-08-20. Review status: criteria provided, single submitter. Criteria: Ambry Variant Classification Scheme 2023. Collection method: clinical testing. Allele origin: germline.
Comment: The p.P938H variant (also known as c.2813C>A), located in coding exon 13 of the ASXL1 gene, results from a C to A substitution at nucleotide position 2813. The proline at codon 938 is replaced by histidine, an amino acid with similar properties. This amino acid position is conserved. In addition, this alteration is predicted to be tolerated by in silico analysis. Based on the available evidence, the clinical significance of this variant remains unclear.

NM_015338.6(ASXL1):c.2813C>A (p.Pro938His)

Gene: ASXL1 (ASXL transcriptional regulator 1; plus strand). Cytogenetic location: 20q11.21.
Variant type: single nucleotide variant.
Coding change: c.2813C>A on transcript NM_015338.6 (MANE Select); coding-DNA position 2813, C replaced by A.
Protein change: p.Pro938His; replaces proline 938 with histidine.
Molecular consequence: missense variant.
Genome position (GRCh38, 1-based): chr20:32,435,525, C>A. VCF-style: chr20-32435525-C-A. GRCh37 (hg19) VCF-style: chr20-31023328-C-A.
Other names: c.2630C>A, p.Pro877His (NM_001363734.1); short protein forms P877H, P938H.
Identifiers: ClinVar variation 5030322 (VCV005030322.1).